The following is an entry in ClinVar:

ClinVar aggregate classification (germline): Uncertain significance. Review status: criteria provided, multiple submitters, no conflicts (2 of 4 stars). 3 submissions from 3 submitters: Uncertain significance (3). Last evaluated 2026-07-07.

Conditions:
Hereditary diffuse gastric adenocarcinoma (HDGC). Also called: DIFFUSE GASTRIC AND LOBULAR BREAST CANCER SYNDROME. Identifiers: Orphanet 26106, MedGen C1708349, MONDO:0007648, OMIM 137215.
Hereditary cancer-predisposing syndrome. Also called: Neoplastic Syndromes, Hereditary; Hereditary Cancer Syndrome; Hereditary neoplastic syndrome; Tumor predisposition. Identifiers: Orphanet 140162, MedGen C0027672, MeSH D009386, MONDO:0015356.
Familial cancer of breast. Also called: hereditary breast carcinoma; BREAST CANCER, FAMILIAL; Hereditary breast cancer. Identifiers: Orphanet 227535, MedGen C0346153, MONDO:0016419, OMIM 114480. Disease mechanism: loss of function.

Submissions (3):

Ambry Genetics
Classification: Uncertain significance for Hereditary cancer-predisposing syndrome. Last evaluated: 2026-07-07. Review status: criteria provided, single submitter. Criteria: Ambry Variant Classification Scheme 2023. Collection method: clinical testing. Allele origin: germline.
Comment: The p.A802G variant (also known as c.2405C>G), located in coding exon 15 of the CDH1 gene, results from a C to G substitution at nucleotide position 2405. The alanine at codon 802 is replaced by glycine, an amino acid with similar properties. This amino acid position is conserved. In addition, the in silico prediction for this alteration is inconclusive. Based on the available evidence, the clinical significance of this variant remains unclear.

Labcorp Genetics (formerly Invitae), Labcorp
Classification: Uncertain significance for Hereditary diffuse gastric adenocarcinoma. Last evaluated: 2024-06-25. Review status: criteria provided, single submitter. Criteria: Invitae Variant Classification Sherloc (09022015). Collection method: clinical testing. Allele origin: germline.
Comment: This sequence change replaces alanine, which is neutral and non-polar, with glycine, which is neutral and non-polar, at codon 802 of the CDH1 protein (p.Ala802Gly). This variant is not present in population databases (gnomAD no frequency). This variant has not been reported in the literature in individuals affected with CDH1-related conditions. ClinVar contains an entry for this variant (Variation ID: 658830). An algorithm developed to predict the effect of missense changes on protein structure and function (PolyPhen-2) suggests that this variant is likely to be disruptive. In summary, the available evidence is currently insufficient to determine the role of this variant in disease. Therefore, it has been classified as a Variant of Uncertain Significance.

Baylor Genetics
Classification: Uncertain significance for Familial cancer of breast. Last evaluated: 2023-11-11. Review status: criteria provided, single submitter. Criteria: ACMG Guidelines, 2015. Collection method: clinical testing. Allele origin: unknown.

NM_004360.5(CDH1):c.2405C>G (p.Ala802Gly)

Gene: CDH1 (cadherin 1; plus strand). Cytogenetic location: 16q22.1.
Variant type: single nucleotide variant.
Coding change: c.2405C>G on transcript NM_004360.5 (MANE Select); coding-DNA position 2405, C replaced by G.
Protein change: p.Ala802Gly; replaces alanine 802 with glycine.
Molecular consequence: missense variant.
Genome position (GRCh38, 1-based): chr16:68,829,763, C>G. VCF-style: chr16-68829763-C-G. GRCh37 (hg19) VCF-style: chr16-68863666-C-G.
Other names: c.2405C>G (LRG_301t1); c.2222C>G, p.Ala741Gly (NM_001317184.2); c.857C>G, p.Ala286Gly (NM_001317185.2); c.440C>G, p.Ala147Gly (NM_001317186.2); short protein forms A147G, A741G, A802G, A286G.
Identifiers: ClinVar variation 658830 (VCV000658830.11), dbSNP rs1596972797, ClinGen allele CA396471232.